The following is an entry in ClinVar:

ClinVar aggregate classification (germline): Likely benign. Review status: reviewed by expert panel (3 of 4 stars). 2 submissions from 2 submitters: Likely benign (1). 1 of the submissions does not count toward it. Last evaluated 2024-11-04.

Conditions:
Hereditary cancer-predisposing syndrome. Also called: Hereditary Cancer Syndrome; Hereditary neoplastic syndrome; Neoplastic Syndromes, Hereditary; Tumor predisposition. Identifiers: Orphanet 140162, MedGen C0027672, MeSH D009386, MONDO:0015356.
Hereditary thrombocytopenia and hematologic cancer predisposition syndrome. Identifiers: Orphanet 71290, MedGen CN281654, MONDO:0011071.

Allele frequency attached by ClinVar (database versions not stated): gnomAD 0.00002 and 0.00003.
gnomAD v4.1: 21 of 1,397,784 alleles (0.0015%); highest among the groups gnomAD compares: African/African-American, 0.0056%; no homozygotes.

Submissions (2):

ClinGen Myeloid Malignancy Variant Curation Expert Panel
Classification: Likely benign for Hereditary thrombocytopenia and hematologic cancer predisposition syndrome. Last evaluated: 2024-11-04. Review status: reviewed by expert panel. Criteria: ClinGen MyeloMalig ACMG Specifications v2. Collection method: curation. Allele origin: germline. Inheritance: Autosomal dominant inheritance.
Comment: NM_001754.5(RUNX1):c.-59-9G>A is an intronic variant which has a SpliceAI score ≤ 0.20 (0.01) (BP4). This variant has a SpliceAI score ≤ 0.20 (0.01) and evolutionary conservation prediction algorithms predict the site as not being conserved (PhyloP score ≤ 2.0 (-1.24) (BP7). In summary, this variant meets criteria to be classified as likely benign. ACMG/AMP criteria applied, as specified by the Myeloid Malignancy Variant Curation Expert Panel for RUNX1: BP4, BP7.

Sema4
Classification: Uncertain significance for Hereditary cancer-predisposing syndrome. Last evaluated: 2021-11-18. Review status: criteria provided, single submitter. Criteria: Sema4 Curation Guidelines. Collection method: curation. Allele origin: germline. Not counted in ClinVar's aggregate classification.
Comment: The RUNX1 c.-59-9G>A variant has not been reported in the literature to our knowledge. It was observed in 1/8698 chromosomes of the African/African American subpopulation in the large and broad cohorts of the Genome Aggregation Database (PMID: 32461654). The variant has not been reported in ClinVar. In silico tools suggest that the variant may not impact splicing, though these predictions have not been confirmed by functional studies. The evidence is insufficient to meet ACMG/AMP criteria for classifying the variant as benign or pathogenic. Thus, the clinical significance of this variant is currently uncertain.

NM_001754.5(RUNX1):c.-59-9G>A

Gene: RUNX1 (RUNX family transcription factor 1; minus strand). Cytogenetic location: 21q22.12.
Variant type: single nucleotide variant.
Coding change: c.-59-9G>A on transcript NM_001754.5 (MANE Select); 9 bases into the intron before 59 bases upstream of the start codon, G replaced by A.
Molecular consequence: intron variant.
Genome position (GRCh38, 1-based): chr21:35,048,967, C>T on the plus strand (G>A on the coding strand, the complement: RUNX1 is on the minus strand). VCF-style: chr21-35048967-C-T. GRCh37 (hg19) VCF-style: chr21-36421264-C-T.
Identifiers: ClinVar variation 1692646 (VCV001692646.2), dbSNP rs1250615209, ClinGen allele CA637749759.
Genomic context (GRCh38, chr21:35,048,967, plus strand): 5'-TCCTGAAAATGCACCCTCTTCTGAAGGCGGGGGACTCAATGATTTCTTTTACCTTCGGAG[C>T]GAAAACCAAGACAGGTCACTGTTTCAGCCTCACCCCTCTAGCCCTACATCTCTCTTTCTT-3'